The following is an entry in ClinVar:

NM_006766.5(KAT6A):c.4210dup (p.Glu1404fs)

Gene: KAT6A (lysine acetyltransferase 6A; minus strand). Cytogenetic location: 8p11.21.
Variant type: Duplication.
Coding change: c.4210dup on transcript NM_006766.5 (MANE Select); coding-DNA position 4210, one base duplicated (G; older notation c.4210dupG).
Protein change: p.Glu1404fs; shifts the reading frame from glutamic acid 1404.
Molecular consequence: frameshift variant.
Genome position (GRCh38, 1-based): chr8:41,934,010, C duplicated on the plus strand (G on the coding strand, the reverse complement: KAT6A is on the minus strand); the first of 2 consecutive C bases (chr8:41,934,010-41,934,011); duplicating either gives the same sequence. VCF-style (leftmost placement, unchanged base first): chr8-41934009-T-TC. GRCh37 (hg19) VCF-style: chr8-41791527-T-TC.
Other names: short protein forms E1404fs.
Identifiers: ClinVar variation 373672 (VCV000373672.2), dbSNP rs1057518543, ClinGen allele CA16042642.

ClinVar aggregate classification (germline): Pathogenic (1 of 4 stars; one submission).

Submission:

GeneDx
Classification: Pathogenic. Last evaluated: 2016-11-24. Review status: criteria provided, single submitter. Criteria: GeneDx Variant Classification (06012015). Collection method: clinical testing. Allele origin: germline. Affected: yes.
Comment: The c.4210dupG pathogenic variant in the KAT6A gene causes a frameshift starting with codon Glutamine 1404, changes this amino acid to a Glycine residue and creates a premature Stop codon at position 15 of the new reading frame, denoted p.Glu1404GlyfsX15. This variant is predicted to cause loss of normal protein function through protein truncation, as the last 601 amino acid residues are replaced by 14 incorrect ones. It was not observed in approximately 6,500 individuals of European and African American ancestry in the NHLBI Exome Sequencing Project, indicating it is not a common benign variant in these populations.